The following is an entry in ClinVar:

ClinVar aggregate classification (germline): Uncertain significance (1 of 4 stars; one submission).

Conditions:
Inborn genetic diseases. Identifiers: MedGen C0950123, MeSH D030342.

Allele frequency attached by ClinVar (database versions not stated): TOPMed below 0.00001; gnomAD 0.00001.
gnomAD v4.1: 1 of 1,614,078 alleles (0.000062%); highest among the groups gnomAD compares: African/African-American, 0.0013%; no homozygotes.

Submission:

Ambry Genetics
Classification: Uncertain significance for Inborn genetic diseases. Last evaluated: 2019-11-12. Review status: criteria provided, single submitter. Criteria: Ambry Variant Classification Scheme 2023. Collection method: clinical testing. Allele origin: germline.
Comment: The p.A1614V variant (also known as c.4841C>T), located in coding exon 23 of the DYNC1H1 gene, results from a C to T substitution at nucleotide position 4841. The alanine at codon 1614 is replaced by valine, an amino acid with similar properties. This amino acid position is highly conserved in available vertebrate species. In addition, this alteration is predicted to be deleterious by in silico analysis. Since supporting evidence is limited at this time, the clinical significance of this alteration remains unclear.

NM_001376.5(DYNC1H1):c.4841C>T (p.Ala1614Val)

Gene: DYNC1H1 (dynein cytoplasmic 1 heavy chain 1; plus strand). Cytogenetic location: 14q32.31.
Variant type: single nucleotide variant.
Coding change: c.4841C>T on transcript NM_001376.5 (MANE Select); coding-DNA position 4841, C replaced by T.
Protein change: p.Ala1614Val; replaces alanine 1614 with valine.
Molecular consequence: missense variant.
Genome position (GRCh38, 1-based): chr14:102,002,923, C>T. VCF-style: chr14-102002923-C-T. GRCh37 (hg19) VCF-style: chr14-102469260-C-T.
Other names: short protein forms A1614V.
Identifiers: ClinVar variation 1743512 (VCV001743512.2), dbSNP rs960963989, ClinGen allele CA266995867.